The following is an entry in ClinVar:

NM_032608.7(MYO18B):c.5839G>T (p.Val1947Leu)

Gene: MYO18B (myosin XVIIIB; plus strand). Cytogenetic location: 22q12.1.
Variant type: single nucleotide variant.
Coding change: c.5839G>T on transcript NM_032608.7 (MANE Select); coding-DNA position 5839, G replaced by T.
Protein change: p.Val1947Leu; replaces valine 1947 with leucine.
Molecular consequence: missense variant.
Genome position (GRCh38, 1-based): chr22:25,952,292, G>T. VCF-style: chr22-25952292-G-T. GRCh37 (hg19) VCF-style: chr22-26348258-G-T.
Other names: c.5842G>T, p.Val1948Leu (NM_001318245.2); short protein forms V1947L, V1948L.
Identifiers: ClinVar variation 3621598 (VCV003621598.1).

ClinVar aggregate classification (germline): Uncertain significance (1 of 4 stars; one submission).

gnomAD v4.1: 7 of 1,609,656 alleles (0.00043%); highest among the groups gnomAD compares: African/African-American, 0.0067%; no homozygotes.

Submission:

Labcorp Genetics (formerly Invitae), Labcorp
Classification: Uncertain significance. Last evaluated: 2024-08-09. Review status: criteria provided, single submitter. Criteria: Invitae Variant Classification Sherloc (09022015). Collection method: clinical testing. Allele origin: germline.
Comment: This sequence change replaces valine, which is neutral and non-polar, with leucine, which is neutral and non-polar, at codon 1947 of the MYO18B protein (p.Val1947Leu). This variant is not present in population databases (gnomAD no frequency). This variant has not been reported in the literature in individuals affected with MYO18B-related conditions. An algorithm developed to predict the effect of missense changes on protein structure and function (PolyPhen-2) suggests that this variant¬†is likely to be tolerated. In summary, the available evidence is currently insufficient to determine the role of this variant in disease. Therefore, it has been classified as a Variant of Uncertain Significance.